The following is an entry in ClinVar:

NM_020975.6(RET):c.1453G>T (p.Val485Leu)

Gene: RET (ret proto-oncogene; plus strand). Cytogenetic location: 10q11.21.
Variant type: single nucleotide variant.
Coding change: c.1453G>T on transcript NM_020975.6 (MANE Select); coding-DNA position 1453, G replaced by T.
Protein change: p.Val485Leu; replaces valine 485 with leucine.
Molecular consequence: missense variant.
Genome position (GRCh38, 1-based): chr10:43,111,396, G>T. VCF-style: chr10-43111396-G-T. GRCh37 (hg19) VCF-style: chr10-43606844-G-T.
Other names: c.1453G>T, p.Val485Leu (NM_000323.2, NM_001406743.1, NM_001406744.1 and 6 more transcripts); c.691G>T, p.Val231Leu (NM_001355216.2); c.1324G>T, p.Val442Leu (NM_001406761.1, NM_001406762.1, NM_001406764.1 and 1 more transcripts); c.1165G>T, p.Val389Leu (NM_001406766.1, NM_001406767.1, NM_001406770.1); c.1057G>T, p.Val353Leu (NM_001406769.1, NM_001406772.1); c.1015G>T, p.Val339Leu (NM_001406771.1, NM_001406773.1); c.928G>T, p.Val310Leu (NM_001406774.1); c.727G>T, p.Val243Leu (NM_001406775.1, NM_001406776.1, NM_001406777.1 and 1 more transcripts); and 1 more; short protein forms V155L, V310L, V339L, V231L, V389L, V442L, V485L, V353L.
Identifiers: ClinVar variation 2141072 (VCV002141072.5), dbSNP rs1837922208, ClinGen allele CA376549707.

ClinVar aggregate classification (germline): Uncertain significance. Review status: criteria provided, multiple submitters, no conflicts (2 of 4 stars). 2 submissions from 2 submitters: Uncertain significance (2). Last evaluated 2026-06-19.

Conditions:
Hereditary cancer-predisposing syndrome. Also called: Tumor predisposition; Hereditary Cancer Syndrome; Hereditary neoplastic syndrome; Neoplastic Syndromes, Hereditary. Identifiers: Orphanet 140162, MedGen C0027672, MeSH D009386, MONDO:0015356.
Multiple endocrine neoplasia, type 2 (MEN2). Identifiers: Orphanet 653, MedGen C4048306, MONDO:0019003. Disease mechanism: gain of function.

gnomAD v4.1: 3 of 1,614,004 alleles (0.00019%); highest among the groups gnomAD compares: Non-Finnish European, 0.00025%; no homozygotes.

Submissions (2):

Ambry Genetics
Classification: Uncertain significance for Hereditary cancer-predisposing syndrome. Last evaluated: 2026-06-19. Review status: criteria provided, single submitter. Criteria: Ambry Variant Classification Scheme 2023. Collection method: clinical testing. Allele origin: germline.
Comment: The p.V485L variant (also known as c.1453G>T), located in coding exon 7 of the RET gene, results from a G to T substitution at nucleotide position 1453. The valine at codon 485 is replaced by leucine, an amino acid with highly similar properties. This amino acid position is conserved. In addition, the in silico prediction for this alteration is inconclusive. Based on the available evidence, the clinical significance of this variant remains unclear.

Labcorp Genetics (formerly Invitae), Labcorp
Classification: Uncertain significance for Multiple endocrine neoplasia, type 2. Last evaluated: 2024-03-10. Review status: criteria provided, single submitter. Criteria: Invitae Variant Classification Sherloc (09022015). Collection method: clinical testing. Allele origin: germline.
Comment: This sequence change replaces valine, which is neutral and non-polar, with leucine, which is neutral and non-polar, at codon 485 of the RET protein (p.Val485Leu). This variant is not present in population databases (gnomAD no frequency). This variant has not been reported in the literature in individuals affected with RET-related conditions. ClinVar contains an entry for this variant (Variation ID: 2141072). An algorithm developed to predict the effect of missense changes on protein structure and function (PolyPhen-2) suggests that this variant is likely to be tolerated. In summary, the available evidence is currently insufficient to determine the role of this variant in disease. Therefore, it has been classified as a Variant of Uncertain Significance.